The following is an entry in ClinVar:

ClinVar aggregate classification (germline): Uncertain significance (1 of 4 stars; one submission).

Conditions:
Mowat-Wilson syndrome (MOWS). Also called: Classic Mowat-Wilson Syndrome. Identifiers: Orphanet 2152, MedGen C1856113, MONDO:0009341, OMIM 235730.

gnomAD v4.1: 1 of 1,614,094 alleles (0.000062%); highest among the groups gnomAD compares: African/African-American, 0.0013%; no homozygotes.

Submission:

Labcorp Genetics (formerly Invitae), Labcorp
Classification: Uncertain significance for Mowat-Wilson syndrome. Last evaluated: 2024-12-19. Review status: criteria provided, single submitter. Criteria: Invitae Variant Classification Sherloc (09022015). Collection method: clinical testing. Allele origin: germline.
Comment: This sequence change replaces phenylalanine, which is neutral and non-polar, with leucine, which is neutral and non-polar, at codon 931 of the ZEB2 protein (p.Phe931Leu). This variant is not present in population databases (gnomAD no frequency). This variant has not been reported in the literature in individuals affected with ZEB2-related conditions. Invitae Evidence Modeling of protein sequence and biophysical properties (such as structural, functional, and spatial information, amino acid conservation, physicochemical variation, residue mobility, and thermodynamic stability) indicates that this missense variant is not expected to disrupt ZEB2 protein function with a negative predictive value of 80%. In summary, the available evidence is currently insufficient to determine the role of this variant in disease. Therefore, it has been classified as a Variant of Uncertain Significance.

NM_014795.4(ZEB2):c.2793C>G (p.Phe931Leu)

Gene: ZEB2 (zinc finger E-box binding homeobox 2; minus strand). Cytogenetic location: 2q22.3.
Variant type: single nucleotide variant.
Coding change: c.2793C>G on transcript NM_014795.4 (MANE Select); coding-DNA position 2793, C replaced by G.
Protein change: p.Phe931Leu; replaces phenylalanine 931 with leucine.
Molecular consequence: missense variant.
Genome position (GRCh38, 1-based): chr2:144,398,394, G>C on the plus strand (C>G on the coding strand, the complement: ZEB2 is on the minus strand). VCF-style: chr2-144398394-G-C. GRCh37 (hg19) VCF-style: chr2-145155961-G-C.
Other names: c.2721C>G, p.Phe907Leu (NM_001171653.2); short protein forms F931L, F907L.
Identifiers: ClinVar variation 3654502 (VCV003654502.2).